The following is an entry in ClinVar:

Conditions:
Long QT syndrome 5 (LQT5). Identifiers: Orphanet 101016, Orphanet 768, MedGen C1867904, MONDO:0013372, OMIM 613695.

Submission:

Roden Lab, Vanderbilt University Medical Center
No classification provided (evidence only). Condition: Long QT syndrome 5. Review status: no classification provided. Collection method: in vitro. Allele origin: not applicable. Functional consequence: Effect on ion channel function.
ClinVar note: "not provided" was previously submitted as the classification for the variant. However, the classification appeared to be based only on an observation of functional data so it was converted to no classification on 2025-07-30.

NM_000219.6(KCNE1):c.17C>A (p.Thr6Asn)

Gene: KCNE1 (potassium voltage-gated channel subfamily E regulatory subunit 1; minus strand). Cytogenetic location: 21q22.12.
Variant type: single nucleotide variant.
Coding change: c.17C>A on transcript NM_000219.6 (MANE Select); coding-DNA position 17, C replaced by A.
Protein change: p.Thr6Asn; replaces threonine 6 with asparagine.
Molecular consequence: missense variant.
Genome position (GRCh38, 1-based): chr21:34,449,618, G>T on the plus strand (C>A on the coding strand, the complement: KCNE1 is on the minus strand). VCF-style: chr21-34449618-G-T. GRCh37 (hg19) VCF-style: chr21-35821916-G-T.
Other names: c.17C>A, p.Thr6Asn (NM_001127668.4, NM_001127669.4, NM_001127670.4 and 4 more transcripts); short protein forms T6N.
Identifiers: ClinVar variation 3374226 (VCV003374226.2).
Genomic context (GRCh38, chr21:34,449,618, plus strand): 5'-TTGCCACCCTGCTGAACTGTCTCCTGCCACAGCTTGGTCAGAAAGGGCGTCACCGCTGTG[G>T]TGTTAGACAGGATCATCCTGGGCATTAAGGTTCCACTGCTGCAGCTCAAACTTCCCAGGC-3'
Protein context (NP_000210.2, residues 1-16): MILSN[Thr6Asn]TAVTPFLTKL